The following is an entry in ClinVar:

NM_006231.4(POLE):c.4822C>G (p.Leu1608Val)

Gene: POLE (DNA polymerase epsilon, catalytic subunit; minus strand). Cytogenetic location: 12q24.33.
Variant type: single nucleotide variant.
Coding change: c.4822C>G on transcript NM_006231.4 (MANE Select); coding-DNA position 4822, C replaced by G.
Protein change: p.Leu1608Val; replaces leucine 1608 with valine.
Molecular consequence: missense variant.
Genome position (GRCh38, 1-based): chr12:132,642,636, G>C on the plus strand (C>G on the coding strand, the complement: POLE is on the minus strand). VCF-style: chr12-132642636-G-C. GRCh37 (hg19) VCF-style: chr12-133219222-G-C.
Other names: short protein forms L1608V.
Identifiers: ClinVar variation 540723 (VCV000540723.8), dbSNP rs1555222593, ClinGen allele CA387378276.

ClinVar aggregate classification (germline): Uncertain significance (1 of 4 stars; one submission).

Submission:

Labcorp Genetics (formerly Invitae), Labcorp
Classification: Uncertain significance. Last evaluated: 2025-10-23. Review status: criteria provided, single submitter. Criteria: Invitae Variant Classification Sherloc (09022015). Collection method: clinical testing. Allele origin: germline.
Comment: This sequence change replaces leucine, which is neutral and non-polar, with valine, which is neutral and non-polar, at codon 1608 of the POLE protein (p.Leu1608Val). This variant is not present in population databases (gnomAD no frequency). This variant has not been reported in the literature in individuals affected with POLE-related conditions. ClinVar contains an entry for this variant (Variation ID: 540723). Invitae Evidence Modeling of protein sequence and biophysical properties (such as structural, functional, and spatial information, amino acid conservation, physicochemical variation, residue mobility, and thermodynamic stability) indicates that this missense variant is not expected to disrupt POLE protein function with a negative predictive value of 80%. In summary, the available evidence is currently insufficient to determine the role of this variant in disease. Therefore, it has been classified as a Variant of Uncertain Significance.